The following is an entry in ClinVar:

NM_004187.5(KDM5C):c.4334G>A (p.Arg1445His)

Gene: KDM5C (lysine demethylase 5C; minus strand). Cytogenetic location: Xp11.22.
Variant type: single nucleotide variant.
Coding change: c.4334G>A on transcript NM_004187.5 (MANE Select); coding-DNA position 4334, G replaced by A.
Protein change: p.Arg1445His; replaces arginine 1445 with histidine.
Molecular consequence: missense variant. On other transcripts: intron variant (5).
Genome position (GRCh38, 1-based): chrX:53,193,316, C>T on the plus strand (G>A on the coding strand, the complement: KDM5C is on the minus strand). VCF-style: chrX-53193316-C-T. GRCh37 (hg19) VCF-style: chrX-53222498-C-T.
Other names: c.4331G>A, p.Arg1444His (NM_001282622.3); c.4325G>A, p.Arg1442His (NM_001353978.3); c.4305+121G>A (NM_001353982.2); c.4314+121G>A (NM_001353979.2); c.4308+121G>A (NM_001353981.2, NM_001353984.2); c.4046+182G>A (NM_001146702.2); short protein forms R1445H, R1442H, R1444H.
Identifiers: ClinVar variation 383134 (VCV000383134.5), dbSNP rs782272528, ClinGen allele CA10419095.

ClinVar aggregate classification (germline): Conflicting classifications of pathogenicity. Review status: criteria provided, conflicting classifications (1 of 4 stars). 3 submissions from 3 submitters: Uncertain significance (2); Likely benign (1). Last evaluated 2023-11-27.

Conditions:
Intellectual developmental disorder, X-linked, syndromic, Claes-Jensen type. Also called: INTELLECTUAL DEVELOPMENTAL DISORDER, X-LINKED, SYNDROMIC 16; MENTAL RETARDATION, X-LINKED, SYNDROMIC 16; Syndromic X-linked intellectual disability Claes-Jensen type. Identifiers: Orphanet 85279, MedGen C1845243, MONDO:0010355, OMIM 300534.
Spastic paraplegia. Identifiers: MedGen C0037772, HP:0001258.

Allele frequency attached by ClinVar (database versions not stated): gnomAD exomes 0.00001 and 0.00008; TOPMed 0.00003; gnomAD 0.00003; ExAC 0.00001.
gnomAD v4.1: 91 of 1,209,076 alleles (0.0075%); highest among the groups gnomAD compares: Non-Finnish European, 0.0092%; no homozygotes.

Submissions (3):

Labcorp Genetics (formerly Invitae), Labcorp
Classification: Uncertain significance for Spastic paraplegia. Last evaluated: 2023-11-27. Review status: criteria provided, single submitter. Criteria: Invitae Variant Classification Sherloc (09022015). Collection method: clinical testing. Allele origin: germline.
Comment: This sequence change replaces arginine, which is basic and polar, with histidine, which is basic and polar, at codon 1445 of the KDM5C protein (p.Arg1445His). This variant is present in population databases (rs782272528, gnomAD 0.001%). This variant has not been reported in the literature in individuals affected with KDM5C-related conditions. ClinVar contains an entry for this variant (Variation ID: 383134). Advanced modeling of protein sequence and biophysical properties (such as structural, functional, and spatial information, amino acid conservation, physicochemical variation, residue mobility, and thermodynamic stability) performed at Invitae indicates that this missense variant is not expected to disrupt KDM5C protein function with a negative predictive value of 95%. In summary, the available evidence is currently insufficient to determine the role of this variant in disease. Therefore, it has been classified as a Variant of Uncertain Significance.

Baylor Genetics
Classification: Uncertain significance for Intellectual developmental disorder, X-linked, syndromic, Claes-Jensen type. Last evaluated: 2020-01-10. Review status: criteria provided, single submitter. Criteria: ACMG Guidelines, 2015. Collection method: clinical testing. Allele origin: unknown. Affected: yes.
Comment: This variant was determined to be of uncertain significance according to ACMG Guidelines, 2015 [PMID:25741868].

GeneDx
Classification: Likely benign. Last evaluated: 2016-02-10. Review status: criteria provided, single submitter. Criteria: GeneDx Variant Classification (06012015). Collection method: clinical testing. Allele origin: germline. Affected: yes.
Comment: This variant is considered likely benign or benign based on one or more of the following criteria: it is a conservative change, it occurs at a poorly conserved position in the protein, it is predicted to be benign by multiple in silico algorithms, and/or has population frequency not consistent with disease.